The following is an entry in ClinVar:

ClinVar aggregate classification (germline): Uncertain significance (1 of 4 stars; one submission).

Allele frequency attached by ClinVar (database versions not stated): gnomAD exomes 0.00001 and 0.00002.
gnomAD v4.1: 26 of 1,611,658 alleles (0.0016%); highest among the groups gnomAD compares: Middle Eastern, 0.016%; no homozygotes.

Submission:

Labcorp Genetics (formerly Invitae), Labcorp
Classification: Uncertain significance. Last evaluated: 2026-01-12. Review status: criteria provided, single submitter. Criteria: Invitae Variant Classification Sherloc (09022015). Collection method: clinical testing. Allele origin: germline.
Comment: This sequence change replaces valine, which is neutral and non-polar, with methionine, which is neutral and non-polar, at codon 909 of the SPEG protein (p.Val909Met). This variant is present in population databases (no rsID available, gnomAD 0.006%). This variant has not been reported in the literature in individuals affected with SPEG-related conditions. ClinVar contains an entry for this variant (Variation ID: 1443867). An algorithm developed to predict the effect of missense changes on protein structure and function (PolyPhen-2) suggests that this variant is likely to be disruptive. In summary, the available evidence is currently insufficient to determine the role of this variant in disease. Therefore, it has been classified as a Variant of Uncertain Significance.

NM_005876.5(SPEG):c.2725G>A (p.Val909Met)

Gene: SPEG (striated muscle enriched protein kinase; plus strand). Cytogenetic location: 2q35.
Variant type: single nucleotide variant.
Coding change: c.2725G>A on transcript NM_005876.5 (MANE Select); coding-DNA position 2725, G replaced by A.
Protein change: p.Val909Met; replaces valine 909 with methionine.
Molecular consequence: missense variant.
Genome position (GRCh38, 1-based): chr2:219,464,452, G>A. VCF-style: chr2-219464452-G-A. GRCh37 (hg19) VCF-style: chr2-220329174-G-A.
Other names: c.178G>A, p.Val60Met (NM_001173476.2); short protein forms V60M, V909M.
Identifiers: ClinVar variation 1443867 (VCV001443867.5), dbSNP rs1358749184, ClinGen allele CA350738753.